The following is an entry in ClinVar:

ClinVar aggregate classification (germline): Pathogenic. Review status: criteria provided, multiple submitters, no conflicts (2 of 4 stars). 4 submissions from 4 submitters: Pathogenic (4). Last evaluated 2025-10-13.

Conditions:
Gaucher disease. Also called: Acute cerebral Gaucher disease; Cerebroside lipidosis syndrome; Gaucher splenomegaly; Sphingolipidosis 1; Glucocerebrosidosis; Glucosylceramidase deficiency. Identifiers: Orphanet 355, MedGen C0017205, MONDO:0018150.

Submissions (4):

Natera, Inc.
Classification: Pathogenic for Gaucher disease. Last evaluated: 2025-10-13. Review status: criteria provided, single submitter. Criteria: Natera Variant Classification Schema (03/2026). Collection method: clinical testing. Allele origin: germline.
Comment: The c.203delC variant in GBA1 is a frameshift variant predicted to shift the reading frame beginning at codon 68 and leads to a stop codon 23 codons downstream. This variant is expected to result in nonsense mediated decay, truncation, or a dysfunctional protein product. This variant is rare in the general population with a frequency below the threshold expected for the associated phenotype(s). This variant has been observed in one or more individuals affected with the associated recessive disease, as either homozygous or compound heterozygous with a second variant (PMID: 28727984). Given the available evidence, this variant is classified as Pathogenic.

GeneDx
Classification: Pathogenic. Last evaluated: 2024-06-20. Review status: criteria provided, single submitter. Criteria: GeneDx Variant Classification Process June 2021. Collection method: clinical testing. Allele origin: germline. Affected: yes.
Comment: Frameshift variant predicted to result in protein truncation or nonsense mediated decay in a gene for which loss of function is a known mechanism of disease; Not observed at significant frequency in large population cohorts (gnomAD); This variant is associated with the following publications: (PMID: 28727984, 8790604, 15605411, 10796875)

Revvity Omics, Revvity
Classification: Pathogenic. Last evaluated: 2022-03-16. Review status: criteria provided, single submitter. Criteria: ACMG Guidelines, 2015. Collection method: clinical testing. Allele origin: germline.

Women's Health and Genetics/Laboratory Corporation of America, LabCorp
Classification: Pathogenic for Gaucher disease. Last evaluated: 2021-10-04. Review status: criteria provided, single submitter. Criteria: LabCorp Variant Classification Summary - May 2015. Collection method: clinical testing. Allele origin: germline.
Comment: Variant summary: GBA c.203delC (p.Pro68ArgfsX23) results in a premature termination codon, predicted to cause a truncation of the encoded protein or absence of the protein due to nonsense mediated decay, which are commonly known mechanisms for disease. Truncations downstream of this position have been classified as pathogenic by our laboratory. The variant was absent in 251298 control chromosomes. c.203delC has been reported in the literature in individuals affected with Gaucher Disease (e.g Koprivica_2000, Miocic_2005, Zampieri_2017). These data indicate that the variant is likely to be associated with disease. No clinical diagnostic laboratories have submitted clinical-significance assessments for this variant to ClinVar after 2014. Based on the evidence outlined above, the variant was classified as pathogenic.

Literature cited by the submitters: PubMed 28727984 (cited by Natera, Inc. and Women's Health and Genetics/Laboratory Corporation of America, LabCorp); PubMed 15605411 (cited by Women's Health and Genetics/Laboratory Corporation of America, LabCorp); PubMed 10796875 (cited by Women's Health and Genetics/Laboratory Corporation of America, LabCorp).

NM_000157.4(GBA1):c.203del (p.Pro68fs)

Genes: GBA1 (glucosylceramidase beta 1; minus strand), LOC106627981 (GBA recombination region; plus strand). Cytogenetic location: 1q22.
Variant type: Deletion.
Coding change: c.203del on transcript NM_000157.4 (MANE Select); coding-DNA position 203, one base deleted (C; older notation c.203delC).
Protein change: p.Pro68fs; shifts the reading frame from proline 68.
Molecular consequence: frameshift variant. On other transcripts: 5 prime UTR variant (1).
Genome position (GRCh38, 1-based): chr1:155,239,990, G deleted on the plus strand (C on the coding strand, the reverse complement: GBA1 is on the minus strand); the first of 6 consecutive G bases (chr1:155,239,990-155,239,995); deleting any one gives the same sequence. VCF-style (leftmost placement, unchanged base first): chr1-155239989-CG-C. GRCh37 (hg19) VCF-style: chr1-155209780-CG-C.
Other names: c.203del, p.Pro68fs (NM_001005741.3, NM_001005742.3, NM_001171812.2); c.-59del (NM_001171811.2); c.203del (NM_001005741.2); c.203delC (NM_000157.3); short protein forms P68fs.
Identifiers: ClinVar variation 1321450 (VCV001321450.6), dbSNP rs1170895261, ClinGen allele CA645528646.